The following is an entry in ClinVar:

NM_001253697.2(ERBIN):c.2828T>C (p.Ile943Thr)

Gene: ERBIN (erbb2 interacting protein; plus strand). Cytogenetic location: 5q12.3.
Variant type: single nucleotide variant.
Coding change: c.2828T>C on transcript NM_001253697.2 (MANE Select); coding-DNA position 2828, T replaced by C.
Protein change: p.Ile943Thr; replaces isoleucine 943 with threonine.
Molecular consequence: missense variant.
Genome position (GRCh38, 1-based): chr5:66,054,146, T>C. VCF-style: chr5-66054146-T-C. GRCh37 (hg19) VCF-style: chr5-65349974-T-C.
Other names: c.2828T>C, p.Ile943Thr (NM_001006600.3, NM_001253698.2, NM_001253699.2 and 1 more transcripts); c.2816T>C, p.Ile939Thr (NM_001253701.2); short protein forms I939T, I943T.
Identifiers: ClinVar variation 1524494 (VCV001524494.8), dbSNP rs201617773, ClinGen allele CA3286546.

ClinVar aggregate classification (germline): Uncertain significance (1 of 4 stars; one submission).

Allele frequency attached by ClinVar (database versions not stated): ExAC 0.00001; gnomAD 0.00002; gnomAD exomes 0.00004; TOPMed 0.00004.
gnomAD v4.1: 57 of 1,614,044 alleles (0.0035%); highest among the groups gnomAD compares: Non-Finnish European, 0.0046%; no homozygotes.

Submission:

Labcorp Genetics (formerly Invitae), Labcorp
Classification: Uncertain significance. Last evaluated: 2025-09-02. Review status: criteria provided, single submitter. Criteria: Invitae Variant Classification Sherloc (09022015). Collection method: clinical testing. Allele origin: germline.
Comment: This sequence change replaces isoleucine, which is neutral and non-polar, with threonine, which is neutral and polar, at codon 943 of the ERBIN protein (p.Ile943Thr). This variant is present in population databases (rs201617773, gnomAD 0.007%). This variant has not been reported in the literature in individuals affected with ERBIN-related conditions. ClinVar contains an entry for this variant (Variation ID: 1524494). An algorithm developed to predict the effect of missense changes on protein structure and function (PolyPhen-2) suggests that this variant is likely to be tolerated. In summary, the available evidence is currently insufficient to determine the role of this variant in disease. Therefore, it has been classified as a Variant of Uncertain Significance.